The following is an entry in ClinVar:

ClinVar aggregate classification (germline): Pathogenic (3 of 4 stars; one submission).

Conditions:
Creatine transporter deficiency (CCDS1). Also called: CEREBRAL CREATINE DEFICIENCY SYNDROME 1; Creatine Transporter (CRTR) Deficiency; Mental retardation , X-linked with seizures, short stature and midface hypoplasia; Mental retardation , X-linked, with creatine transport deficiency; X-linked creatine transporter deficiency; X-linked creatine deficiency syndrome. Identifiers: Orphanet 52503, MedGen C1845862, MONDO:0010305, OMIM 300352.

Submission:

ClinGen Cerebral Creatine Deficiency Syndromes Variant Curation Expert Panel, ClinGen
Classification: Pathogenic for Creatine transporter deficiency. Last evaluated: 2023-08-10. Review status: reviewed by expert panel. Criteria: ClinGen_CCDS_ACMG_Specifications_SLC6A8_v1.1. Collection method: curation. Allele origin: germline. Inheritance: X-linked inheritance.
Comment: The NM_005629.4:c.1554G>A (p.Trp518Ter) variant in SLC6A8 is is a nonsense variant predicted to cause a premature stop codon in biologically relevant exon 11/13 leading to nonsense mediated decay in a gene in which loss-of-function is an established disease mechanism (PVS1). The variant is absent in gnomAD v2.1.1. (PM2_Supporting). There is no ClinVar entry for this variant. In summary, this variant meets criteria to be classified as pathogenic for creatine transporter deficiency. SLC6A8-specific criteria applied, as specified by the ClinGen CCDS VCEP (Specifications Version 1.1.0): PVS1, PM2_Supporting, PP4. (Classification approved by the ClinGen CCDS VCEP, August 10, 2023)

NM_005629.4(SLC6A8):c.1554G>A (p.Trp518Ter)

Gene: SLC6A8 (solute carrier family 6 member 8; plus strand). Cytogenetic location: Xq28.
Variant type: single nucleotide variant.
Coding change: c.1554G>A on transcript NM_005629.4 (MANE Select); coding-DNA position 1554, G replaced by A.
Protein change: p.Trp518Ter; replaces tryptophan 518 with a stop codon.
Molecular consequence: nonsense.
Genome position (GRCh38, 1-based): chrX:153,694,591, G>A. VCF-style: chrX-153694591-G-A. GRCh37 (hg19) VCF-style: chrX-152960046-G-A.
Other names: NM_001142805.2:c.1524G>A; c.1524G>A, p.Trp508Ter (NM_001142805.2); c.1209G>A, p.Trp403Ter (NM_001142806.1); short protein forms W403*, W508*, W518*.
Identifiers: ClinVar variation 2583094 (VCV002583094.1), dbSNP rs2522168744, ClinGen allele CA415088445.